The following is an entry in ClinVar:

NM_001371986.1(UNC80):c.1653_1654dup (p.Asp552fs)

Genes: UNC80 (unc-80 subunit of NALCN channel complex; plus strand), LOC122861286 (Sharpr-MPRA regulatory region 8450; plus strand). Cytogenetic location: 2q34.
Variant type: Duplication.
Coding change: c.1653_1654dup on transcript NM_001371986.1 (MANE Select); coding-DNA positions 1653 to 1654, 2 bases duplicated (GG; older notation c.1653_1654dupGG).
Protein change: p.Asp552fs; shifts the reading frame from aspartic acid 552.
Molecular consequence: frameshift variant.
Genome position (GRCh38, 1-based): chr2:209,817,912-209,817,913, GG duplicated. VCF-style (leftmost placement, unchanged base first): chr2-209817911-C-CGG. GRCh37 (hg19) VCF-style: chr2-210682635-C-CGG.
Other names: c.1653_1654dupGG (NM_032504.1); c.1653_1654dup, p.Asp552fs (NM_032504.2, NM_182587.4); short protein forms D552fs.
Identifiers: ClinVar variation 545906 (VCV000545906.12), dbSNP rs1553527439, ClinGen allele CA658823302.

ClinVar aggregate classification (germline): Pathogenic. Review status: criteria provided, multiple submitters, no conflicts (2 of 4 stars). 3 submissions from 3 submitters: Pathogenic (3). Last evaluated 2026-08-10.

Conditions:
Hypotonia, infantile, with psychomotor retardation and characteristic facies 2 (IHPRF2). Also called: UNC80 Deficiency. Identifiers: Orphanet 371364, Orphanet 700333, MedGen C4225203, MONDO:0014777, OMIM 616801.

Allele frequency attached by ClinVar (database versions not stated): gnomAD exomes below 0.00001.

Submissions (3):

Institute of Human Genetics, University of Leipzig Medical Center
Classification: Pathogenic for Hypotonia, infantile, with psychomotor retardation and characteristic facies 2. Last evaluated: 2026-08-10. Review status: criteria provided, single submitter. Criteria: ACMG Guidelines, 2015. Collection method: clinical testing. Allele origin: unknown. Inheritance: Autosomal recessive inheritance. Affected: yes.
Comment: Criteria applied: PVS1,PM2,PM3_SUP

Labcorp Genetics (formerly Invitae), Labcorp
Classification: Pathogenic. Last evaluated: 2022-10-14. Review status: criteria provided, single submitter. Criteria: Invitae Variant Classification Sherloc (09022015). Collection method: clinical testing. Allele origin: germline.
Comment: For these reasons, this variant has been classified as Pathogenic. This variant is not present in population databases (gnomAD no frequency). This premature translational stop signal has been observed in individual(s) with clinical features of UNC80-related disease (Invitae). ClinVar contains an entry for this variant (Variation ID: 545906). This sequence change creates a premature translational stop signal (p.Asp552Glyfs*36) in the UNC80 gene. It is expected to result in an absent or disrupted protein product. Loss-of-function variants in UNC80 are known to be pathogenic (PMID: 26545877, 26708751, 26708753).

GeneDx
Classification: Pathogenic. Last evaluated: 2020-08-07. Review status: criteria provided, single submitter. Criteria: GeneDx Variant Classification Process June 2021. Collection method: clinical testing. Allele origin: germline. Affected: yes.
Comment: Frameshift variant predicted to result in protein truncation or nonsense mediated decay in a gene for which loss-of-function is a known mechanism of disease; Not observed in large population cohorts (Lek et al., 2016); Has not been previously published as pathogenic or benign to our knowledge

Literature cited by the submitters: PubMed 26545877 (cited by Labcorp Genetics (formerly Invitae), Labcorp); PubMed 26708751 (cited by Labcorp Genetics (formerly Invitae), Labcorp); PubMed 26708753 (cited by Labcorp Genetics (formerly Invitae), Labcorp).